The following is an entry in ClinVar:

NM_001358530.2(MOCS1):c.1687C>G (p.Gln563Glu)

Gene: MOCS1 (molybdenum cofactor synthesis 1; minus strand). Cytogenetic location: 6p21.2.
Variant type: single nucleotide variant.
Coding change: c.1687C>G on transcript NM_001358530.2 (MANE Select); coding-DNA position 1687, C replaced by G.
Protein change: p.Gln563Glu; replaces glutamine 563 with glutamic acid.
Molecular consequence: missense variant. On other transcripts: 3 prime UTR variant (4), non-coding transcript variant (1).
Genome position (GRCh38, 1-based): chr6:39,906,581, G>C on the plus strand (C>G on the coding strand, the complement: MOCS1 is on the minus strand). VCF-style: chr6-39906581-G-C. GRCh37 (hg19) VCF-style: chr6-39874357-G-C.
Other names: c.*544C>G (NM_001075098.4, NM_001358533.2, NM_001358534.2 and 1 more transcripts); c.1639C>G, p.Gln547Glu (NM_001358529.2); c.1426C>G, p.Gln476Glu (NM_001358531.2); short protein forms Q476E, Q547E, Q563E.
Identifiers: ClinVar variation 356644 (VCV000356644.28), dbSNP rs777476892, ClinGen allele CA3795912.
Genomic context (GRCh38, chr6:39,906,581, plus strand): 5'-CCCGGCAAGATGCCTGGATCTTCACGGCATGGCGTGTGCTGTCCAGCTCCAGCTGCACCT[G>C]GATGTGGCTCAGGGCCACGTGGTGGCACAGAGGGATCAGCTGGCTGGTCACCTTGGCTGC-3'
Protein context (NP_001345459.1, residues 553-573): LCHHVALSHI[Gln563Glu]VQLELDSTRH

ClinVar aggregate classification (germline): Uncertain significance. Review status: criteria provided, multiple submitters, no conflicts (2 of 4 stars). 2 submissions from 2 submitters: Uncertain significance (2). Last evaluated 2023-12-01.

Conditions:
Sulfite oxidase deficiency due to molybdenum cofactor deficiency type A. Also called: Molybdenum Cofactor Deficiency A; Molybdenum cofactor deficiency, complementation group A. Identifiers: Orphanet 308386, Orphanet 833, MedGen C1854988, MONDO:0009643, OMIM 252150.

Allele frequency attached by ClinVar (database versions not stated): TOPMed 0.00003; gnomAD 0.00004 and 0.00005; gnomAD exomes 0.00004 and 0.00006; ExAC 0.00006.
gnomAD v4.1: 103 of 1,613,734 alleles (0.0064%); highest among the groups gnomAD compares: Middle Eastern, 0.049%; no homozygotes.

Submissions (2):

CeGaT Center for Human Genetics Tuebingen
Classification: Uncertain significance. Last evaluated: 2023-12-01. Review status: criteria provided, single submitter. Criteria: CeGaT Center For Human Genetics Tuebingen Variant Classification Criteria Version 2. Collection method: clinical testing. Allele origin: germline. Affected: yes. Observed: 1 variant allele.
Comment: MOCS1: PM2, BP4

Labcorp Genetics (formerly Invitae), Labcorp
Classification: Uncertain significance for Sulfite oxidase deficiency due to molybdenum cofactor deficiency type A. Last evaluated: 2022-08-12. Review status: criteria provided, single submitter. Criteria: Invitae Variant Classification Sherloc (09022015). Collection method: clinical testing. Allele origin: germline.
Comment: This sequence change replaces glutamine, which is neutral and polar, with glutamic acid, which is acidic and polar, at codon 563 of the MOCS1 protein (p.Gln563Glu). This variant is present in population databases (rs777476892, gnomAD 0.008%). This variant has not been reported in the literature in individuals affected with MOCS1-related conditions. ClinVar contains an entry for this variant (Variation ID: 356644). Algorithms developed to predict the effect of missense changes on protein structure and function output the following: SIFT: "Not Available"; PolyPhen-2: "Benign"; Align-GVGD: "Not Available". The glutamic acid amino acid residue is found in multiple mammalian species, which suggests that this missense change does not adversely affect protein function. In summary, the available evidence is currently insufficient to determine the role of this variant in disease. Therefore, it has been classified as a Variant of Uncertain Significance.